The following is an entry in ClinVar:

ClinVar aggregate classification (germline): Uncertain significance (1 of 4 stars; one submission).

Submission:

Labcorp Genetics (formerly Invitae), Labcorp
Classification: Uncertain significance. Last evaluated: 2022-07-03. Review status: criteria provided, single submitter. Criteria: Invitae Variant Classification Sherloc (09022015). Collection method: clinical testing. Allele origin: germline.
Comment: In summary, the available evidence is currently insufficient to determine the role of this variant in disease. Therefore, it has been classified as a Variant of Uncertain Significance. Advanced modeling of protein sequence and biophysical properties (such as structural, functional, and spatial information, amino acid conservation, physicochemical variation, residue mobility, and thermodynamic stability) performed at Invitae indicates that this missense variant is not expected to disrupt COL7A1 protein function. This variant has not been reported in the literature in individuals affected with COL7A1-related conditions. This variant is not present in population databases (gnomAD no frequency). This sequence change replaces valine, which is neutral and non-polar, with leucine, which is neutral and non-polar, at codon 1559 of the COL7A1 protein (p.Val1559Leu).

NM_000094.4(COL7A1):c.4675G>T (p.Val1559Leu)

Gene: COL7A1 (collagen type VII alpha 1 chain; minus strand). Cytogenetic location: 3p21.31.
Variant type: single nucleotide variant.
Coding change: c.4675G>T on transcript NM_000094.4 (MANE Select); coding-DNA position 4675, G replaced by T.
Protein change: p.Val1559Leu; replaces valine 1559 with leucine.
Molecular consequence: missense variant.
Genome position (GRCh38, 1-based): chr3:48,581,753, C>A on the plus strand (G>T on the coding strand, the complement: COL7A1 is on the minus strand). VCF-style: chr3-48581753-C-A. GRCh37 (hg19) VCF-style: chr3-48619186-C-A.
Other names: short protein forms V1559L.
Identifiers: ClinVar variation 2013389 (VCV002013389.4), dbSNP rs1227529770, ClinGen allele CA352685995.
Genomic context (GRCh38, chr3:48,581,753, plus strand): 5'-TCGCTTCACTTACCCGTTCCCCTTGGACTCCGGTAGCTCCTCTGGGCCCAGCGGGCCCCA[C>A]ATCTCCCTGGAGGTGACAAAGACCATCAGTGCTAGTCCCAGGCTCCAGTTAACCCCCTGA-3'
Protein context (NP_000085.1, residues 1549-1569): VAGPKGEKGD[Val1559Leu]GPAGPRGATG